The following is an entry in ClinVar:

NM_032999.4(GTF2I):c.248A>T (p.Glu83Val)

Genes: GTF2I (general transcription factor IIi; plus strand), GTF2I-AS1 (GTF2I antisense RNA 1; minus strand). Cytogenetic location: 7q11.23.
Variant type: single nucleotide variant.
Coding change: c.248A>T on transcript NM_032999.4 (MANE Select); coding-DNA position 248, A replaced by T.
Protein change: p.Glu83Val; replaces glutamic acid 83 with valine.
Molecular consequence: missense variant.
Genome position (GRCh38, 1-based): chr7:74,698,970, A>T. VCF-style: chr7-74698970-A-T. GRCh37 (hg19) VCF-style: chr7-74113300-A-T.
Other names: c.248A>T, p.Glu83Val (NM_001163636.3, NM_001280800.2, NM_001518.5 and 2 more transcripts); short protein forms E83V.
Identifiers: ClinVar variation 4975970 (VCV004975970.1).
Genomic context (GRCh38, chr7:74,698,970, plus strand): 5'-GATATGGACCTTATTATTATTTTTTTATTTTATTTTTTATTTTTTTTACAGGTGTTGAAG[A>T]AGAAGAAAAAGCTGCAGAGATGCATAAAATGAAATCTACAACCCAGGCAAATCGGATGAG-3'
Protein context (NP_127492.1, residues 73-93): QKDFVKYCVE[Glu83Val]EEKAAEMHKM

ClinVar aggregate classification (germline): Uncertain significance (1 of 4 stars; one submission).

gnomAD v4.1: 4 of 1,380,302 alleles (0.00029%); highest among the groups gnomAD compares: African/African-American, 0.006%; no homozygotes.

Submission:

GeneDx
Classification: Uncertain significance. Last evaluated: 2026-02-01. Review status: criteria provided, single submitter. Criteria: GeneDx Variant Classification Process June 2021. Collection method: clinical testing. Allele origin: germline.
Comment: Not observed at significant frequency in large population cohorts (gnomAD); In silico analysis supports that this missense variant has a deleterious effect on protein structure/function; Has not been previously published as pathogenic or benign to our knowledge